The following is an entry in ClinVar:

NM_000157.4(GBA1):c.850C>A (p.Pro284Thr)

Genes: GBA1 (glucosylceramidase beta 1; minus strand), LOC106627981 (GBA recombination region; plus strand). Cytogenetic location: 1q22.
Variant type: single nucleotide variant.
Coding change: c.850C>A on transcript NM_000157.4 (MANE Select); coding-DNA position 850, C replaced by A.
Protein change: p.Pro284Thr; replaces proline 284 with threonine.
Molecular consequence: missense variant.
Genome position (GRCh38, 1-based): chr1:155,237,490, G>T on the plus strand (C>A on the coding strand, the complement: GBA1 is on the minus strand). VCF-style: chr1-155237490-G-T. GRCh37 (hg19) VCF-style: chr1-155207281-G-T.
Other names: c.850C>A, p.Pro284Thr (NM_001005741.3, NM_001005742.3); c.589C>A, p.Pro197Thr (NM_001171811.2); c.703C>A, p.Pro235Thr (NM_001171812.2); c.850C>A (NM_001005741.2); short protein forms P284T, P197T, P235T.
Identifiers: ClinVar variation 4817815 (VCV004817815.2).

ClinVar aggregate classification (germline): Likely pathogenic. Review status: criteria provided, multiple submitters, no conflicts (2 of 4 stars). 2 submissions from 2 submitters: Likely pathogenic (2). Last evaluated 2025-08-01.

Conditions:
Gaucher disease. Also called: Acute cerebral Gaucher disease; Cerebroside lipidosis syndrome; Gaucher splenomegaly; Sphingolipidosis 1; Glucocerebrosidosis; Glucosylceramidase deficiency. Identifiers: Orphanet 355, MedGen C0017205, MONDO:0018150.
GBA1-related disorder. Also called: GBA1-related condition.

gnomAD v4.1: 1 of 1,613,824 alleles (0.000062%); highest among the groups gnomAD compares: African/African-American, 0.0013%; no homozygotes.

Submissions (2):

Natera, Inc.
Classification: Likely pathogenic for Gaucher disease. Last evaluated: 2025-08-01. Review status: criteria provided, single submitter. Criteria: Natera Variant Classification Schema (03/2026). Collection method: clinical testing. Allele origin: germline.
Comment: The c.850C>A variant in GBA1 is a missense variant predicted to cause substitution of proline to threonine at amino acid 284. This variant is rare in the general population with a frequency below the threshold expected for the associated phenotype(s). This variant has been observed in one or more individuals affected with the associated recessive disease, as either homozygous or compound heterozygous with a second variant (PMID: 24022302, 23430543, 38053927). Functional studies show that this variant may disrupt protein function (PMID: 24022302). Computational prediction algorithms indicate this variant is likely to affect gene or protein function. Given the available evidence, this variant is classified as Likely Pathogenic.

PreventionGenetics, part of Exact Sciences
Classification: Likely pathogenic for GBA1-related condition. Last evaluated: 2025-06-19. Review status: criteria provided, single submitter. Criteria: ACMG Guidelines, 2015. Collection method: clinical testing. Allele origin: germline.
Comment: The GBA1 c.850C>A variant is predicted to result in the amino acid substitution p.Pro284Thr. This variant has been reported in the compound heterozygous state in three individuals with Gaucher disease (Siebert et al. 2013. PubMed ID: 23430543; Malini et al. 2013. PubMed ID: 24022302; Basgalupp et al. 2023. PubMed ID: 38053927). Functional studies using HEK293 cells have shown that this variant abolishes the enzyme activity (Malini et al. 2013. PubMed ID: 24022302). Different missense variants affecting the same amino acid (p.Pro284His; p.Pro284Leu) have been reported in individuals with Gaucher disease or Parkinson disease (Beutler et al. 2005. PubMed ID: 16185900; Lesage et al. 2011. PubMed ID: 20947659). The p.Pro284Thr variant has been reported in one of the total 31394 alleles in gnomAD. This variant is interpreted as likely pathogenic.

Literature cited by the submitters: PubMed 24022302 (cited by Natera, Inc.); PubMed 23430543 (cited by Natera, Inc.); PubMed 38053927 (cited by Natera, Inc.).